The following is an entry in ClinVar:

ClinVar aggregate classification (germline): Uncertain significance. Review status: criteria provided, multiple submitters, no conflicts (2 of 4 stars). 2 submissions from 2 submitters: Uncertain significance (2). Last evaluated 2025-06-04.

Conditions:
Cardiofaciocutaneous syndrome 4 (CFC4). Also called: MAP2K2-Related Cardiofaciocutaneous Syndrome. Identifiers: Orphanet 1340, MedGen C3809007, MONDO:0014114, OMIM 615280.
RASopathy. Also called: rasopathies; Noonan spectrum disorder. Identifiers: Orphanet 536391, MedGen C5555857, MONDO:0021060.

Submissions (2):

Labcorp Genetics (formerly Invitae), Labcorp
Classification: Uncertain significance for RASopathy. Last evaluated: 2025-06-04. Review status: criteria provided, single submitter. Criteria: Invitae Variant Classification Sherloc (09022015). Collection method: clinical testing. Allele origin: germline.
Comment: This sequence change creates a premature translational stop signal (p.Ile325Cysfs*7) in the MAP2K2 gene. It is expected to result in an absent or disrupted protein product. However, the current clinical and genetic evidence is not sufficient to establish whether loss-of-function variants in MAP2K2 cause disease. This variant is present in population databases (rs770978109, gnomAD 0.004%). This variant has not been reported in the literature in individuals affected with MAP2K2-related conditions. In summary, the available evidence is currently insufficient to determine the role of this variant in disease. Therefore, it has been classified as a Variant of Uncertain Significance.

Fulgent Genetics
Classification: Uncertain significance for Cardiofaciocutaneous syndrome 4. Last evaluated: 2024-06-12. Review status: criteria provided, single submitter. Criteria: ACMG Guidelines, 2015. Collection method: clinical testing. Allele origin: germline.

NM_030662.4(MAP2K2):c.973_974del (p.Ile325fs)

Gene: MAP2K2 (mitogen-activated protein kinase kinase 2; minus strand). Cytogenetic location: 19p13.3.
Variant type: Microsatellite.
Coding change: c.973_974del on transcript NM_030662.4 (MANE Select); coding-DNA positions 973 to 974, 2 bases deleted (AT; older notation c.973_974delAT).
Protein change: p.Ile325fs; shifts the reading frame from isoleucine 325.
Molecular consequence: frameshift variant.
Genome position (GRCh38, 1-based): chr19:4,097,289-4,097,290, AT deleted on the plus strand (AT on the coding strand, the reverse complement: MAP2K2 is on the minus strand); deleting any 2 consecutive bases within chr19:4,097,289-4,097,293 gives the same sequence; the c. name uses the placement nearest the transcript's 3' end. VCF-style (leftmost placement, unchanged base first): chr19-4097288-AAT-A. GRCh37 (hg19) VCF-style: chr19-4097286-AAT-A.
Other names: short protein forms I325fs.
Identifiers: ClinVar variation 1433527 (VCV001433527.7), dbSNP rs770978109, ClinGen allele CA9090755.